The following is an entry in ClinVar:

ClinVar aggregate classification (germline): Benign/Likely benign. Review status: criteria provided, multiple submitters, no conflicts (2 of 4 stars). 3 submissions from 3 submitters: Benign (1); Likely benign (1). 1 of the submissions does not count toward it. Last evaluated 2026-06-01.

Conditions:
TNRC6B-related disorder. Also called: TNRC6B-related condition.

Allele frequency attached by ClinVar (database versions not stated): 1000 Genomes Project 0.00080; 1000 Genomes Project 30x 0.00141; ESP Exome Variant Server 0.00183; TOPMed 0.00277; gnomAD 0.00295; ExAC 0.00410.
gnomAD v4.1: 6,894 of 1,612,418 alleles (0.43%); highest among the groups gnomAD compares: Non-Finnish European, 0.52%; 24 homozygotes.

Submissions (3):

CeGaT Center for Human Genetics Tuebingen
Classification: Benign. Last evaluated: 2026-06-01. Review status: criteria provided, single submitter. Criteria: CeGaT Center For Human Genetics Tuebingen Variant Classification Criteria Version 2. Collection method: clinical testing. Allele origin: germline. Affected: yes. Observed: 20 variant alleles.
Comment: TNRC6B: BS1, BS2

Blueprint Genetics
Classification: Likely benign. Last evaluated: 2024-11-28. Review status: criteria provided, single submitter. Criteria: ACMG Guidelines, 2015. Collection method: clinical testing. Allele origin: germline.

PreventionGenetics, part of Exact Sciences
Classification: Likely benign for TNRC6B-related condition. Last evaluated: 2023-12-11. Review status: no assertion criteria provided. Collection method: clinical testing. Allele origin: germline. Not counted in ClinVar's aggregate classification.
Comment: This variant is classified as likely benign based on ACMG/AMP sequence variant interpretation guidelines (Richards et al. 2015 PMID: 25741868, with internal and published modifications).

NM_001162501.2(TNRC6B):c.2750G>C (p.Gly917Ala)

Gene: TNRC6B (trinucleotide repeat containing adaptor 6B; plus strand). Cytogenetic location: 22q13.1.
Variant type: single nucleotide variant.
Coding change: c.2750G>C on transcript NM_001162501.2 (MANE Select); coding-DNA position 2750, G replaced by C.
Protein change: p.Gly917Ala; replaces glycine 917 with alanine.
Molecular consequence: missense variant. On other transcripts: intron variant (1).
Genome position (GRCh38, 1-based): chr22:40,266,980, G>C. VCF-style: chr22-40266980-G-C. GRCh37 (hg19) VCF-style: chr22-40662984-G-C.
Other names: c.2750G>C, p.Gly917Ala (NM_015088.3); c.566-3142G>C (NM_001024843.2); c.2750G>C (NM_001162501.1); short protein forms G917A.
Identifiers: ClinVar variation 2653179 (VCV002653179.26), dbSNP rs143708410, ClinGen allele CA10246874.